The following is an entry in ClinVar:

NM_014112.5(TRPS1):c.2792A>T (p.Asn931Ile)

Gene: TRPS1 (transcriptional repressor GATA binding 1; minus strand). Cytogenetic location: 8q23.3.
Variant type: single nucleotide variant.
Coding change: c.2792A>T on transcript NM_014112.5 (MANE Select); coding-DNA position 2792, A replaced by T.
Protein change: p.Asn931Ile; replaces asparagine 931 with isoleucine.
Molecular consequence: missense variant.
Genome position (GRCh38, 1-based): chr8:115,418,361, T>A on the plus strand (A>T on the coding strand, the complement: TRPS1 is on the minus strand). VCF-style: chr8-115418361-T-A. GRCh37 (hg19) VCF-style: chr8-116430589-T-A.
Other names: c.2765A>T, p.Asn922Ile (NM_001282902.3); c.2771A>T, p.Asn924Ile (NM_001282903.3); c.2753A>T, p.Asn918Ile (NM_001330599.2); short protein forms N918I, N922I, N924I, N931I.
Identifiers: ClinVar variation 2952830 (VCV002952830.3), dbSNP rs2536588412, ClinGen allele CA372064232.

ClinVar aggregate classification (germline): Uncertain significance (1 of 4 stars; one submission).

Conditions:
Trichorhinophalangeal syndrome, type III (TRPS3). Also called: SUGIO-KAJII SYNDROME. Identifiers: Orphanet 77258, MedGen C1860823, OMIM 190351, MONDO:0008597.
Trichorhinophalangeal dysplasia type I (TRPS1). Also called: TRICHORHINOPHALANGEAL SYNDROME, TYPE I; TRPS I. Identifiers: Orphanet 77258, MedGen C0432233, MONDO:0008596, OMIM 190350.

Submission:

Labcorp Genetics (formerly Invitae), Labcorp
Classification: Uncertain significance for Trichorhinophalangeal syndrome, type III; Trichorhinophalangeal dysplasia type I. Last evaluated: 2023-11-16. Review status: criteria provided, single submitter. Criteria: Invitae Variant Classification Sherloc (09022015). Collection method: clinical testing. Allele origin: germline.
Comment: This sequence change replaces asparagine, which is neutral and polar, with isoleucine, which is neutral and non-polar, at codon 931 of the TRPS1 protein (p.Asn931Ile). This variant is not present in population databases (gnomAD no frequency). This missense change has been observed in individual(s) with tricho-rhino-phalangeal syndrome (Invitae). Advanced modeling of protein sequence and biophysical properties (such as structural, functional, and spatial information, amino acid conservation, physicochemical variation, residue mobility, and thermodynamic stability) performed at Invitae indicates that this missense variant is expected to disrupt TRPS1 protein function with a positive predictive value of 80%. In summary, the available evidence is currently insufficient to determine the role of this variant in disease. Therefore, it has been classified as a Variant of Uncertain Significance.